The following is an entry in ClinVar:

ClinVar aggregate classification (germline): Uncertain significance (1 of 4 stars; one submission).

Conditions:
Cardiovascular phenotype. Identifiers: MedGen CN230736.

Allele frequency attached by ClinVar (database versions not stated): TOPMed below 0.00001; gnomAD 0.00001; gnomAD exomes 0.00002; ExAC 0.00007.
gnomAD v4.1: 18 of 1,613,946 alleles (0.0011%); highest among the groups gnomAD compares: Non-Finnish European, 0.00093%; no homozygotes.

Submission:

Ambry Genetics
Classification: Uncertain significance for Cardiovascular phenotype. Last evaluated: 2024-07-10. Review status: criteria provided, single submitter. Criteria: Ambry Variant Classification Scheme 2023. Collection method: clinical testing. Allele origin: germline.
Comment: The p.K4485T variant (also known as c.13454A>C), located in coding exon 29 of the APOB gene, results from an A to C substitution at nucleotide position 13454. The lysine at codon 4485 is replaced by threonine, an amino acid with similar properties. This amino acid position is conserved. In addition, this alteration is predicted to be tolerated by in silico analysis. Since supporting evidence is limited at this time, the clinical significance of this alteration remains unclear.

NM_000384.3(APOB):c.13454A>C (p.Lys4485Thr)

Gene: APOB (apolipoprotein B; minus strand). Cytogenetic location: 2p24.1.
Variant type: single nucleotide variant.
Coding change: c.13454A>C on transcript NM_000384.3 (MANE Select); coding-DNA position 13454, A replaced by C.
Protein change: p.Lys4485Thr; replaces lysine 4485 with threonine.
Molecular consequence: missense variant.
Genome position (GRCh38, 1-based): chr2:21,001,968, T>G on the plus strand (A>C on the coding strand, the complement: APOB is on the minus strand). VCF-style: chr2-21001968-T-G. GRCh37 (hg19) VCF-style: chr2-21224840-T-G.
Other names: short protein forms K4485T.
Identifiers: ClinVar variation 1770443 (VCV001770443.3), dbSNP rs771286073, ClinGen allele CA052871.
Genomic context (GRCh38, chr2:21,001,968, plus strand): 5'-TGGTCTGAAAAATCTTGCAGTTTATATCTAAACTGCTGGTGGTAATCAGAAATTATTTTC[T>G]TCGTCGCAATGGCCTGGCTTTTAATTATTTCCTGAGCAGTGGCAGAAAGCTCTGCAATCT-3'
Protein context (NP_000375.3, residues 4475-4495): EIIKSQAIAT[Lys4485Thr]KIISDYHQQF